The following is an entry in ClinVar:

NM_018834.6(MATR3):c.*406A>G

Gene: MATR3 (matrin 3; plus strand). Cytogenetic location: 5q31.2.
Variant type: single nucleotide variant.
Coding change: c.*406A>G on transcript NM_018834.6 (MANE Select); 406 bases downstream of the stop codon, A replaced by G.
Molecular consequence: 3 prime UTR variant.
Genome position (GRCh38, 1-based): chr5:139,329,801, A>G. VCF-style: chr5-139329801-A-G. GRCh37 (hg19) VCF-style: chr5-138665490-A-G.
Other names: c.*406A>G (NM_001194954.2, NM_001194955.2, NM_001194956.2 and 2 more transcripts).
Identifiers: ClinVar variation 351153 (VCV000351153.5), dbSNP rs185734839, ClinGen allele CA3433552.
Genomic context (GRCh38, chr5:139,329,801, plus strand): 5'-ACATTTTATTCCATTCAATAAAGAACAAAACCAATAGTGTTTTTATTACTTTCATCTGAA[A>G]CATTCCATGTTTTAATCTGAGCCTTGCAGACTTTCATTTGGAGTTTGAACCCGTTTTGGT-3'

ClinVar aggregate classification (germline): Benign (1 of 4 stars; one submission).

Conditions:
Amyotrophic lateral sclerosis type 21. Also called: VOCAL CORD AND PHARYNGEAL DYSFUNCTION WITH DISTAL MYOPATHY; MYOPATHY, DISTAL, 2. Identifiers: Orphanet 600, Orphanet 803, MedGen C3807521, MONDO:0011632, OMIM 606070.

Allele frequency attached by ClinVar (database versions not stated): gnomAD 0.00006 and 0.00010; ExAC 0.00008; gnomAD exomes 0.00008 and 0.00015; TOPMed 0.00011; 1000 Genomes Project 0.00080; 1000 Genomes Project 30x 0.00109.
gnomAD v4.1: 39 of 454,690 alleles (0.0086%); highest among the groups gnomAD compares: East Asian, 0.22%; no homozygotes.

Submission:

Illumina Laboratory Services, Illumina
Classification: Benign for Amyotrophic lateral sclerosis type 21. Last evaluated: 2018-01-12. Review status: criteria provided, single submitter. Criteria: ICSL Variant Classification Criteria 13 December 2019. Collection method: clinical testing. Allele origin: germline.
Comment: This variant was observed in the ICSL laboratory as part of a predisposition screen in an ostensibly healthy population. It had not been previously curated by ICSL or reported in the Human Gene Mutation Database (HGMD: prior to June 1st, 2018), and was therefore a candidate for classification through an automated scoring system. Utilizing variant allele frequency, disease prevalence and penetrance estimates, and inheritance mode, an automated score was calculated to assess if this variant is too frequent to cause the disease. Based on the score and internal cut-off values, a variant classified as benign is not then subjected to further curation. The score for this variant resulted in a classification of benign for this disease.